The following is an entry in ClinVar:

NM_001958.5(EEF1A2):c.1130AGA[1] (p.Lys378del)

Gene: EEF1A2 (eukaryotic translation elongation factor 1 alpha 2; minus strand). Cytogenetic location: 20q13.33.
Variant type: Microsatellite.
Coding change: c.1130AGA[1] on transcript NM_001958.5 (MANE Select); one copy of the 3-base unit AGA starting at c.1130; the reference has two copies in a row; one copy, 3 bases deleted.
Protein change: p.Lys378del; deletes lysine 378.
Genome position (GRCh38, 1-based): chr20:63,489,047-63,489,049, TCT deleted on the plus strand (AGA on the coding strand, the reverse complement: EEF1A2 is on the minus strand); deleting any 3 consecutive bases within chr20:63,489,047-63,489,052 gives the same sequence; the position shown is the placement nearest the transcript's 3' end. VCF-style (leftmost placement, unchanged base first): chr20-63489046-ATCT-A. GRCh37 (hg19) VCF-style: chr20-62120399-ATCT-A.
Other names: short protein forms K378del.
Identifiers: ClinVar variation 4531089 (VCV004531089.2).

ClinVar aggregate classification (germline): Uncertain significance (1 of 4 stars; one submission).

Submission:

GeneDx
Classification: Uncertain significance. Last evaluated: 2026-03-09. Review status: criteria provided, single submitter. Criteria: GeneDx Variant Classification Process June 2021. Collection method: clinical testing. Allele origin: germline.
Comment: Not observed at significant frequency in large population cohorts (gnomAD); In-frame deletion of 1 amino acid(s) in a non-repeat region; In silico analysis supports a deleterious effect on protein structure/function; Has not been previously published as pathogenic or benign to our knowledge